The following is an entry in ClinVar:

ClinVar aggregate classification (germline): Pathogenic (0 of 4 stars; one submission).

Conditions:
Fucosidosis. Also called: ALPHA-L-FUCOSIDASE DEFICIENCY. Identifiers: Orphanet 349, MedGen C0016788, MONDO:0009254, OMIM 230000.

Allele frequency attached by ClinVar (database versions not stated): gnomAD exomes below 0.00001.
gnomAD v4.1: 2 of 1,614,096 alleles (0.00012%); highest among the groups gnomAD compares: Non-Finnish European, 0.00017%; no homozygotes.

Submission:

Research Laboratory of Human Genome and Multifactorial Diseases, Faculty of Pharmacy, University of Monastir
Classification: Pathogenic for Fucosidosis. Review status: no assertion criteria provided. Collection method: research. Allele origin: inherited. Inheritance: Autosomal recessive inheritance. Affected: yes. Observed: 1 compound heterozygote.

NM_000147.5(FUCA1):c.995G>A (p.Gly332Glu)

Gene: FUCA1 (alpha-L-fucosidase 1; minus strand). Cytogenetic location: 1p36.11.
Variant type: single nucleotide variant.
Coding change: c.995G>A on transcript NM_000147.5 (MANE Select); coding-DNA position 995, G replaced by A.
Protein change: p.Gly332Glu; replaces glycine 332 with glutamic acid.
Molecular consequence: missense variant.
Genome position (GRCh38, 1-based): chr1:23,848,814, C>T on the plus strand (G>A on the coding strand, the complement: FUCA1 is on the minus strand). VCF-style: chr1-23848814-C-T. GRCh37 (hg19) VCF-style: chr1-24175304-C-T.
Other names: short protein forms G332E.
Identifiers: ClinVar variation 979023 (VCV000979023.3), dbSNP rs1177361428, ClinGen allele CA339036718.